The following is an entry in ClinVar:

NM_000465.4(BARD1):c.384T>C (p.Pro128=)

Gene: BARD1 (BRCA1 associated RING domain 1; minus strand). Cytogenetic location: 2q35.
Variant type: single nucleotide variant.
Coding change: c.384T>C on transcript NM_000465.4 (MANE Select); coding-DNA position 384, T replaced by C.
Protein change: p.Pro128=; no amino-acid change (proline 128 retained).
Molecular consequence: synonymous variant. On other transcripts: non-coding transcript variant (2), intron variant (3).
Genome position (GRCh38, 1-based): chr2:214,781,490, A>G on the plus strand (T>C on the coding strand, the complement: BARD1 is on the minus strand). VCF-style: chr2-214781490-A-G. GRCh37 (hg19) VCF-style: chr2-215646214-A-G.
Other names: c.327T>C, p.Pro109= (NM_001282543.2); c.158+27922T>C (NM_001282548.2); c.215+15571T>C (NM_001282545.2); c.364+10807T>C (NM_001282549.2).
Identifiers: ClinVar variation 1104810 (VCV001104810.11), dbSNP rs2106112667, ClinGen allele CA431136888.
Genomic context (GRCh38, chr2:214,781,490, plus strand): 5'-GCTAAACCACATTTTAATTGAATTCTTCTTGTTTCCTGCATCATTAAACAAACTTTTCCT[A>G]GGTTTATCTTCTTTCAAATCTGACAGAAAAAAAGAAAAAGAAATCTGTTACATGAAATTT-3'
Protein context (NP_000456.2, residues 118-138): NELSDLKEDK[Pro128=]RKSLFNDAGN

ClinVar aggregate classification (germline): Benign/Likely benign. Review status: criteria provided, multiple submitters, no conflicts (2 of 4 stars). 2 submissions from 2 submitters: Benign (1); Likely benign (1). Last evaluated 2024-07-19.

Conditions:
Familial cancer of breast. Also called: BREAST CANCER, FAMILIAL; Hereditary breast cancer; hereditary breast carcinoma. Identifiers: Orphanet 227535, MedGen C0346153, MONDO:0016419, OMIM 114480. Disease mechanism: loss of function.

Submissions (2):

Myriad Genetics, Inc.
Classification: Benign for Familial cancer of breast. Last evaluated: 2024-07-19. Review status: criteria provided, single submitter. Criteria: Myriad Autosomal Dominant, Autosomal Recessive and X-Linked Classification Criteria (2023). Collection method: clinical testing. Allele origin: unknown.
Comment: This variant is considered benign. This variant is a silent/synonymous amino acid change and it is not expected to impact splicing.

Labcorp Genetics (formerly Invitae), Labcorp
Classification: Likely benign for Familial cancer of breast. Last evaluated: 2019-12-12. Review status: criteria provided, single submitter. Criteria: Invitae Variant Classification Sherloc (09022015). Collection method: clinical testing. Allele origin: germline.